The following is an entry in ClinVar:

ClinVar aggregate classification (germline): Likely benign. Review status: criteria provided, multiple submitters, no conflicts (2 of 4 stars). 3 submissions from 3 submitters: Likely benign (2). 1 of the submissions does not count toward it. Last evaluated 2025-12-26.

Conditions:
KRT1-related disorder. Also called: KRT1-related condition.

Allele frequency attached by ClinVar (database versions not stated): gnomAD exomes 0.00025 and 0.00050; 1000 Genomes Project 0.00060; 1000 Genomes Project 30x 0.00062; ExAC 0.00075; ESP Exome Variant Server 0.00077; gnomAD 0.00091 and 0.00102; TOPMed 0.00097.

Submissions (3):

Labcorp Genetics (formerly Invitae), Labcorp
Classification: Likely benign. Last evaluated: 2025-12-26. Review status: criteria provided, single submitter. Criteria: Invitae Variant Classification Sherloc (09022015). Collection method: clinical testing. Allele origin: germline.

Blueprint Genetics
Classification: Likely benign. Last evaluated: 2024-11-06. Review status: criteria provided, single submitter. Criteria: ACMG Guidelines, 2015. Collection method: clinical testing. Allele origin: germline.

PreventionGenetics, part of Exact Sciences
Classification: Likely benign for KRT1-related condition. Last evaluated: 2024-08-22. Review status: no assertion criteria provided. Collection method: clinical testing. Allele origin: germline. Not counted in ClinVar's aggregate classification.
Comment: This variant is classified as likely benign based on ACMG/AMP sequence variant interpretation guidelines (Richards et al. 2015 PMID: 25741868, with internal and published modifications).

NM_006121.4(KRT1):c.193C>T (p.Arg65Trp)

Gene: KRT1 (keratin 1; minus strand). Cytogenetic location: 12q13.13.
Variant type: single nucleotide variant.
Coding change: c.193C>T on transcript NM_006121.4 (MANE Select); coding-DNA position 193, C replaced by T.
Protein change: p.Arg65Trp; replaces arginine 65 with tryptophan.
Molecular consequence: missense variant.
Genome position (GRCh38, 1-based): chr12:52,680,156, G>A on the plus strand (C>T on the coding strand, the complement: KRT1 is on the minus strand). VCF-style: chr12-52680156-G-A. GRCh37 (hg19) VCF-style: chr12-53073940-G-A.
Other names: short protein forms R65W.
Identifiers: ClinVar variation 786929 (VCV000786929.7), dbSNP rs116444444, ClinGen allele CA6586481.